The following is an entry in ClinVar:

NM_000744.7(CHRNA4):c.1184C>T (p.Thr395Met)

Gene: CHRNA4 (cholinergic receptor nicotinic alpha 4 subunit; minus strand). Cytogenetic location: 20q13.33.
Variant type: single nucleotide variant.
Coding change: c.1184C>T on transcript NM_000744.7 (MANE Select); coding-DNA position 1184, C replaced by T.
Protein change: p.Thr395Met; replaces threonine 395 with methionine.
Molecular consequence: missense variant. On other transcripts: non-coding transcript variant (1).
Genome position (GRCh38, 1-based): chr20:63,350,227, G>A on the plus strand (C>T on the coding strand, the complement: CHRNA4 is on the minus strand). VCF-style: chr20-63350227-G-A. GRCh37 (hg19) VCF-style: chr20-61981579-G-A.
Other names: c.656C>T, p.Thr219Met (NM_001256573.2); short protein forms T395M, T219M.
Identifiers: ClinVar variation 98307 (VCV000098307.10), dbSNP rs121912269, ClinGen allele CA150394.

ClinVar aggregate classification (germline): Uncertain significance. Review status: criteria provided, multiple submitters, no conflicts (2 of 4 stars). 3 submissions from 3 submitters: Uncertain significance (2). 1 of the submissions does not count toward it. Last evaluated 2025-11-23.

Conditions:
Tobacco use disorder. Identifiers: MedGen C0040336.
Familial sleep-related hypermotor epilepsy. Also called: Autosomal Dominant Sleep-Related Hypermotor (Hyperkinetic) Epilepsy. Identifiers: Orphanet 98784, MedGen C3696898, MONDO:0000030.
Autosomal dominant nocturnal frontal lobe epilepsy 1. Also called: EPILEPSY, NOCTURNAL FRONTAL LOBE, TYPE 1; CHRNA4-Related Nocturnal Frontal Lobe Epilepsy, Autosomal Dominant. Identifiers: Orphanet 98784, MedGen C1838049, MONDO:0010899, OMIM 600513.

Allele frequency attached by ClinVar (database versions not stated): gnomAD 0.00001; TOPMed 0.00002; gnomAD exomes 0.00001.

Submissions (3):

Labcorp Genetics (formerly Invitae), Labcorp
Classification: Uncertain significance. Last evaluated: 2025-11-23. Review status: criteria provided, single submitter. Criteria: Invitae Variant Classification Sherloc (09022015). Collection method: clinical testing. Allele origin: germline.
Comment: This sequence change replaces threonine, which is neutral and polar, with methionine, which is neutral and non-polar, at codon 395 of the CHRNA4 protein (p.Thr395Met). The frequency data for this variant in the population databases is considered unreliable, as metrics indicate poor data quality at this position in the gnomAD database. This variant has not been reported in the literature in individuals affected with CHRNA4-related conditions. ClinVar contains an entry for this variant (Variation ID: 98307). Invitae Evidence Modeling of protein sequence and biophysical properties (such as structural, functional, and spatial information, amino acid conservation, physicochemical variation, residue mobility, and thermodynamic stability) indicates that this missense variant is not expected to disrupt CHRNA4 protein function with a negative predictive value of 80%. In summary, the available evidence is currently insufficient to determine the role of this variant in disease. Therefore, it has been classified as a Variant of Uncertain Significance.

Centre for Mendelian Genomics, University Medical Centre Ljubljana
Classification: Uncertain significance for Autosomal dominant nocturnal frontal lobe epilepsy 1. Last evaluated: 2020-03-09. Review status: criteria provided, single submitter. Criteria: ACMG Guidelines, 2015. Collection method: clinical testing. Allele origin: unknown. Affected: yes.
Comment: This variant was classified as: Uncertain significance. The available evidence on this variant's pathogenicity is insufficient or conflicting. The following ACMG criteria were applied in classifying this variant: PM2,BP4.

Psychiatry Genetics Yale University
No classification provided. Review status: no classification provided. Collection method: not provided. Allele origin: somatic. Not counted in ClinVar's aggregate classification.